The following is an entry in ClinVar:

ClinVar aggregate classification (germline): Conflicting classifications of pathogenicity. Review status: criteria provided, conflicting classifications (1 of 4 stars). 7 submissions from 7 submitters: Uncertain significance (1); Likely benign (5). 1 of the submissions does not count toward it. Last evaluated 2026-01-20.

Conditions:
NEB-related disorder. Also called: NEB-Related Disorders; NEB-related condition.
Limb-girdle muscular dystrophy (LGMD). Also called: Muscular Dystrophies, Limb-Girdle. Identifiers: Orphanet 263, MedGen C0686353, MeSH D049288, MONDO:0016971, HP:0006785.
Nemaline myopathy 2 (NEM2). Also called: Nemaline myopathy 2, autosomal recessive. Identifiers: MedGen C1850569, MONDO:0009725, OMIM 256030.

Allele frequency attached by ClinVar (database versions not stated): 1000 Genomes Project 0.00200; ExAC 0.00054; gnomAD exomes 0.00018 and 0.00038; gnomAD 0.00153 and 0.00156; TOPMed 0.00158; ESP Exome Variant Server 0.00176; 1000 Genomes Project 30x 0.00172.
gnomAD v4.1: 506 of 1,613,840 alleles (0.031%); highest among the groups gnomAD compares: African/African-American, 0.49%; 6 homozygotes.

Submissions (7):

Labcorp Genetics (formerly Invitae), Labcorp
Classification: Likely benign for Nemaline myopathy 2. Last evaluated: 2026-01-20. Review status: criteria provided, single submitter. Criteria: Invitae Variant Classification Sherloc (09022015). Collection method: clinical testing. Allele origin: germline.

Blueprint Genetics
Classification: Likely benign. Last evaluated: 2024-11-08. Review status: criteria provided, single submitter. Criteria: ACMG Guidelines, 2015. Collection method: clinical testing. Allele origin: germline.

GeneDx
Classification: Likely benign. Last evaluated: 2020-05-04. Review status: criteria provided, single submitter. Criteria: GeneDx Variant Classification Process June 2021. Collection method: clinical testing. Allele origin: germline. Affected: yes.

Cambridge Genomics Laboratory, East Genomic Laboratory Hub, NHS Genomic Medicine Service
Classification: Uncertain significance for Limb-girdle muscular dystrophy. Last evaluated: 2019-08-28. Review status: criteria provided, single submitter. Criteria: ACGS Best Practice Guidelines for Variant Classification in Rare Disease 2020. Collection method: clinical testing. Allele origin: germline. Affected: yes. Observed: 1 variant allele.

Eurofins Ntd Llc (ga)
Classification: Likely benign. Last evaluated: 2017-06-22. Review status: criteria provided, single submitter. Criteria: EGL Classification Definitions 2015. Collection method: clinical testing. Allele origin: germline. Observed: 1 variant allele, 1 heterozygote.

Laboratory for Molecular Medicine, Mass General Brigham Personalized Medicine
Classification: Likely benign. Last evaluated: 2015-04-24. Review status: criteria provided, single submitter. Criteria: LMM Criteria. Collection method: clinical testing. Allele origin: germline. Observed: 1 variant allele.
Comment: p.Arg2691His in exon 58 of NEB: This variant is not expected to have clinical si gnificance because it has been identified in 0.6% (55/9800) of African chromosom es by the Exome Aggregation Consortium (ExAC; db SNP rs35555631).

PreventionGenetics, part of Exact Sciences
Classification: Likely benign for NEB-related condition. Last evaluated: 2022-08-10. Review status: no assertion criteria provided. Collection method: clinical testing. Allele origin: germline. Not counted in ClinVar's aggregate classification.
Comment: This variant is classified as likely benign based on ACMG/AMP sequence variant interpretation guidelines (Richards et al. 2015 PMID: 25741868, with internal and published modifications).

NM_001164508.2(NEB):c.8072G>A (p.Arg2691His)

Gene: NEB (nebulin; minus strand). Cytogenetic location: 2q23.3.
Variant type: single nucleotide variant.
Coding change: c.8072G>A on transcript NM_001164508.2 (MANE Select); coding-DNA position 8072, G replaced by A.
Protein change: p.Arg2691His; replaces arginine 2691 with histidine.
Molecular consequence: missense variant.
Genome position (GRCh38, 1-based): chr2:151,643,238, C>T on the plus strand (G>A on the coding strand, the complement: NEB is on the minus strand). VCF-style: chr2-151643238-C-T. GRCh37 (hg19) VCF-style: chr2-152499752-C-T.
Other names: c.8072G>A, p.Arg2691His (NM_001164507.2, NM_001271208.2, NM_004543.5); short protein forms R2691H.
Identifiers: ClinVar variation 95139 (VCV000095139.60), dbSNP rs35555631, ClinGen allele CA148262.